The following is an entry in ClinVar:

NM_000088.4(COL1A1):c.952C>T (p.Pro318Ser)

Gene: COL1A1 (collagen type I alpha 1 chain; minus strand). Cytogenetic location: 17q21.33.
Variant type: single nucleotide variant.
Coding change: c.952C>T on transcript NM_000088.4 (MANE Select); coding-DNA position 952, C replaced by T.
Protein change: p.Pro318Ser; replaces proline 318 with serine.
Molecular consequence: missense variant.
Genome position (GRCh38, 1-based): chr17:50,196,319, G>A on the plus strand (C>T on the coding strand, the complement: COL1A1 is on the minus strand). VCF-style: chr17-50196319-G-A. GRCh37 (hg19) VCF-style: chr17-48273680-G-A.
Other names: short protein forms P318S.
Identifiers: ClinVar variation 857222 (VCV000857222.11), dbSNP rs1273349782, ClinGen allele CA400221602.

ClinVar aggregate classification (germline): Conflicting classifications of pathogenicity. Review status: criteria provided, conflicting classifications (1 of 4 stars). 2 submissions from 2 submitters: Uncertain significance (1); Likely benign (1). Last evaluated 2024-07-01.

Conditions:
Osteogenesis imperfecta type I (OI1). Also called: OI, TYPE I; OSTEOGENESIS IMPERFECTA TARDA; OSTEOGENESIS IMPERFECTA WITH BLUE SCLERAE; Osteogenesis imperfecta type 1; Lobstein disease; Lobstein's Disease. Identifiers: Orphanet 216796, Orphanet 666, MedGen C0023931, MONDO:0008146, OMIM 166200. Disease mechanism: loss of function.

Allele frequency attached by ClinVar (database versions not stated): gnomAD exomes below 0.00001.
gnomAD v4.1: 2 of 1,609,012 alleles (0.00012%); highest among the groups gnomAD compares: Admixed American, 0.0017%; no homozygotes.

Submissions (2):

Labcorp Genetics (formerly Invitae), Labcorp
Classification: Likely benign for Osteogenesis imperfecta type I. Last evaluated: 2024-07-01. Review status: criteria provided, single submitter. Criteria: Invitae Variant Classification Sherloc (09022015). Collection method: clinical testing. Allele origin: germline.

GeneDx
Classification: Uncertain significance. Last evaluated: 2024-02-28. Review status: criteria provided, single submitter. Criteria: GeneDx Variant Classification Process June 2021. Collection method: clinical testing. Allele origin: germline. Affected: yes.
Comment: Not observed at significant frequency in large population cohorts (gnomAD); In silico analysis supports that this missense variant does not alter protein structure/function; Has not been previously published as pathogenic or benign to our knowledge; Occurs in the triple helical domain at the X position in the canonical Gly-X-Y repeat; although this variant may have an effect on normal protein folding and function, missense substitution at the X position is not a common mechanism of disease (HGMD)